The following is an entry in ClinVar:

NM_033026.6(PCLO):c.3687T>G (p.Ser1229=)

Gene: PCLO (piccolo presynaptic cytomatrix protein; minus strand). Cytogenetic location: 7q21.11.
Variant type: single nucleotide variant.
Coding change: c.3687T>G on transcript NM_033026.6 (MANE Select); coding-DNA position 3687, T replaced by G.
Protein change: p.Ser1229=; no amino-acid change (serine 1229 retained).
Molecular consequence: synonymous variant.
Genome position (GRCh38, 1-based): chr7:82,966,101, A>C on the plus strand (T>G on the coding strand, the complement: PCLO is on the minus strand). VCF-style: chr7-82966101-A-C. GRCh37 (hg19) VCF-style: chr7-82595417-A-C.
Other names: c.3687T>G (NM_033026.5); c.3687T>G, p.Ser1229= (NM_014510.3).
Identifiers: ClinVar variation 4724502 (VCV004724502.2).

ClinVar aggregate classification (germline): Likely benign. Review status: criteria provided, multiple submitters, no conflicts (2 of 4 stars). 2 submissions from 2 submitters: Likely benign (2). Last evaluated 2026-01-13.

Conditions:
PCLO-related disorder. Also called: PCLO-related condition.

Submissions (2):

Labcorp Genetics (formerly Invitae), Labcorp
Classification: Likely benign. Last evaluated: 2026-01-13. Review status: criteria provided, single submitter. Criteria: Invitae Variant Classification Sherloc (09022015). Collection method: clinical testing. Allele origin: germline.

PreventionGenetics, part of Exact Sciences
Classification: Likely benign for PCLO-related condition. Last evaluated: 2024-11-25. Review status: criteria provided, single submitter. Criteria: ACMG Guidelines, 2015. Collection method: clinical testing. Allele origin: germline.
Comment: This variant is classified as likely benign based on ACMG/AMP sequence variant interpretation guidelines (Richards et al. 2015 PMID: 25741868, with internal and published modifications).